The following is an entry in ClinVar:

NM_015693.4(INTU):c.1133A>G (p.Tyr378Cys)

Gene: INTU (inturned planar cell polarity protein; plus strand). Cytogenetic location: 4q28.1.
Variant type: single nucleotide variant.
Coding change: c.1133A>G on transcript NM_015693.4 (MANE Select); coding-DNA position 1133, A replaced by G.
Protein change: p.Tyr378Cys; replaces tyrosine 378 with cysteine.
Molecular consequence: missense variant.
Genome position (GRCh38, 1-based): chr4:127,674,165, A>G. VCF-style: chr4-127674165-A-G. GRCh37 (hg19) VCF-style: chr4-128595320-A-G.
Other names: short protein forms Y378C.
Identifiers: ClinVar variation 2843956 (VCV002843956.3), dbSNP rs930775567, ClinGen allele CA105669331.

ClinVar aggregate classification (germline): Uncertain significance (1 of 4 stars; one submission).

Allele frequency attached by ClinVar (database versions not stated): TOPMed below 0.00001.

Submission:

Labcorp Genetics (formerly Invitae), Labcorp
Classification: Uncertain significance. Last evaluated: 2023-03-08. Review status: criteria provided, single submitter. Criteria: Invitae Variant Classification Sherloc (09022015). Collection method: clinical testing. Allele origin: germline.
Comment: In summary, the available evidence is currently insufficient to determine the role of this variant in disease. Therefore, it has been classified as a Variant of Uncertain Significance. Advanced modeling of protein sequence and biophysical properties (such as structural, functional, and spatial information, amino acid conservation, physicochemical variation, residue mobility, and thermodynamic stability) performed at Invitae indicates that this missense variant is expected to disrupt INTU protein function. This variant has not been reported in the literature in individuals affected with INTU-related conditions. This variant is not present in population databases (gnomAD no frequency). This sequence change replaces tyrosine, which is neutral and polar, with cysteine, which is neutral and slightly polar, at codon 378 of the INTU protein (p.Tyr378Cys).